The following is an entry in ClinVar:

ClinVar aggregate classification (germline): Uncertain significance. Review status: criteria provided, multiple submitters, no conflicts (2 of 4 stars). 2 submissions from 2 submitters: Uncertain significance (2). Last evaluated 2025-12-21.

Conditions:
Hereditary cancer-predisposing syndrome. Also called: Hereditary neoplastic syndrome; Tumor predisposition; Hereditary Cancer Syndrome; Neoplastic Syndromes, Hereditary. Identifiers: Orphanet 140162, MedGen C0027672, MeSH D009386, MONDO:0015356.
POLD1-related polyposis and colorectal cancer syndrome (CRCS10). Also called: Colorectal cancer, susceptibility to, 10; Colorectal cancer 10; COLORECTAL CANCER, SUSCEPTIBILITY TO, ON CHROMOSOME 19q. Identifiers: Orphanet 220460, MedGen C2675481, MONDO:0012953, OMIM 612591.

Allele frequency attached by ClinVar (database versions not stated): gnomAD exomes below 0.00001.
gnomAD v4.1: 4 of 1,611,080 alleles (0.00025%); highest among the groups gnomAD compares: Non-Finnish European, 0.00034%; no homozygotes.

Submissions (2):

Labcorp Genetics (formerly Invitae), Labcorp
Classification: Uncertain significance for POLD1-related polyposis and colorectal cancer syndrome. Last evaluated: 2025-12-21. Review status: criteria provided, single submitter. Criteria: Invitae Variant Classification Sherloc (09022015). Collection method: clinical testing. Allele origin: germline.
Comment: This sequence change replaces serine, which is neutral and polar, with arginine, which is basic and polar, at codon 240 of the POLD1 protein (p.Ser240Arg). This variant is not present in population databases (gnomAD no frequency). This variant has not been reported in the literature in individuals affected with POLD1-related conditions. ClinVar contains an entry for this variant (Variation ID: 661545). Invitae Evidence Modeling of protein sequence and biophysical properties (such as structural, functional, and spatial information, amino acid conservation, physicochemical variation, residue mobility, and thermodynamic stability) indicates that this missense variant is not expected to disrupt POLD1 protein function with a negative predictive value of 80%. RNA analysis performed to evaluate the impact of this missense change on mRNA splicing indicates it does not significantly alter splicing (internal data). In summary, the available evidence is currently insufficient to determine the role of this variant in disease. Therefore, it has been classified as a Variant of Uncertain Significance.

Ambry Genetics
Classification: Uncertain significance for Hereditary cancer-predisposing syndrome. Last evaluated: 2024-01-21. Review status: criteria provided, single submitter. Criteria: Ambry Variant Classification Scheme 2023. Collection method: clinical testing. Allele origin: germline.
Comment: The p.S240R variant (also known as c.720C>G), located in coding exon 5 of the POLD1 gene, results from a C to G substitution at nucleotide position 720. The serine at codon 240 is replaced by arginine, an amino acid with dissimilar properties. This amino acid position is conserved. In addition, this alteration is predicted to be tolerated by in silico analysis. Since supporting evidence is limited at this time, the clinical significance of this alteration remains unclear.

NM_002691.4(POLD1):c.720C>G (p.Ser240Arg)

Gene: POLD1 (DNA polymerase delta 1, catalytic subunit; plus strand). Cytogenetic location: 19q13.33.
Variant type: single nucleotide variant.
Coding change: c.720C>G on transcript NM_002691.4 (MANE Select); coding-DNA position 720, C replaced by G.
Protein change: p.Ser240Arg; replaces serine 240 with arginine.
Molecular consequence: missense variant. On other transcripts: non-coding transcript variant (1).
Genome position (GRCh38, 1-based): chr19:50,402,335, C>G. VCF-style: chr19-50402335-C-G. GRCh37 (hg19) VCF-style: chr19-50905592-C-G.
Other names: c.720C>G, p.Ser240Arg (NM_001256849.1, NM_001308632.1); short protein forms S240R.
Identifiers: ClinVar variation 661545 (VCV000661545.9), dbSNP rs1601201039, ClinGen allele CA406974501.